The following is an entry in ClinVar:

NM_144631.6(ZNF513):c.742C>G (p.Pro248Ala)

Gene: ZNF513 (zinc finger protein 513; minus strand). Cytogenetic location: 2p23.3.
Variant type: single nucleotide variant.
Coding change: c.742C>G on transcript NM_144631.6 (MANE Select); coding-DNA position 742, C replaced by G.
Protein change: p.Pro248Ala; replaces proline 248 with alanine.
Molecular consequence: missense variant.
Genome position (GRCh38, 1-based): chr2:27,378,524, G>C on the plus strand (C>G on the coding strand, the complement: ZNF513 is on the minus strand). VCF-style: chr2-27378524-G-C. GRCh37 (hg19) VCF-style: chr2-27601391-G-C.
Other names: c.556C>G, p.Pro186Ala (NM_001201459.2); short protein forms P186A, P248A.
Identifiers: ClinVar variation 1501094 (VCV001501094.7), dbSNP rs1445740525, ClinGen allele CA346217540.

ClinVar aggregate classification (germline): Uncertain significance. Review status: criteria provided, multiple submitters, no conflicts (2 of 4 stars). 2 submissions from 2 submitters: Uncertain significance (2). Last evaluated 2022-08-10.

Allele frequency attached by ClinVar (database versions not stated): gnomAD exomes below 0.00001; TOPMed below 0.00001.

Submissions (2):

Labcorp Genetics (formerly Invitae), Labcorp
Classification: Uncertain significance. Last evaluated: 2022-08-10. Review status: criteria provided, single submitter. Criteria: Invitae Variant Classification Sherloc (09022015). Collection method: clinical testing. Allele origin: germline.
Comment: In summary, the available evidence is currently insufficient to determine the role of this variant in disease. Therefore, it has been classified as a Variant of Uncertain Significance. Algorithms developed to predict the effect of missense changes on protein structure and function (SIFT, PolyPhen-2, Align-GVGD) all suggest that this variant is likely to be disruptive. ClinVar contains an entry for this variant (Variation ID: 1501094). This variant has not been reported in the literature in individuals affected with ZNF513-related conditions. This variant is present in population databases (no rsID available, gnomAD 0.0009%). This sequence change replaces proline, which is neutral and non-polar, with alanine, which is neutral and non-polar, at codon 248 of the ZNF513 protein (p.Pro248Ala).

Blueprint Genetics
Classification: Uncertain significance. Last evaluated: 2021-11-30. Review status: criteria provided, single submitter. Criteria: ACMG Guidelines, 2015. Collection method: clinical testing. Allele origin: germline.